The following is an entry in ClinVar:

NM_005787.6(ALG3):c.221A>G (p.Tyr74Cys)

Gene: ALG3 (ALG3 alpha-1,3- mannosyltransferase; minus strand). Cytogenetic location: 3q27.1.
Variant type: single nucleotide variant.
Coding change: c.221A>G on transcript NM_005787.6 (MANE Select); coding-DNA position 221, A replaced by G.
Protein change: p.Tyr74Cys; replaces tyrosine 74 with cysteine.
Molecular consequence: missense variant. On other transcripts: non-coding transcript variant (1).
Genome position (GRCh38, 1-based): chr3:184,245,788, T>C on the plus strand (A>G on the coding strand, the complement: ALG3 is on the minus strand). VCF-style: chr3-184245788-T-C. GRCh37 (hg19) VCF-style: chr3-183963576-T-C.
Other names: c.77A>G, p.Tyr26Cys (NM_001006941.2); short protein forms Y74C, Y26C.
Identifiers: ClinVar variation 634991 (VCV000634991.2), dbSNP rs1028791709, ClinGen allele CA88880109.
Genomic context (GRCh38, chr3:184,245,788, plus strand): 5'-TCACCCTGCAGTTGGGTATAGTCATAGGTACCATTGATGACGCCTTCTACCTCGGCCATG[T>C]AGGCCTTCCAGTCAATCTCTGTGTCTGGAAGAAGACAAGATGATCTGGTTACTTCTGAGT-3'
Protein context (NP_005778.1, residues 64-84): VAYTEIDWKA[Tyr74Cys]MAEVEGVING

ClinVar aggregate classification (germline): Likely pathogenic (1 of 4 stars; one submission).

Conditions:
ALG3-congenital disorder of glycosylation. Also called: ALG3-CDG; CARBOHYDRATE-DEFICIENT GLYCOPROTEIN SYNDROME, TYPE IV; CDGS, TYPE IV; CDG Id; CONGENITAL DISORDER OF GLYCOSYLATION, TYPE Id. Identifiers: Orphanet 79321, MedGen C1832736, MONDO:0010998, OMIM 601110.

Submission:

Diagnostics Division, CENTRE FOR DNA FINGERPRINTING AND DIAGNOSTICS
Classification: Likely pathogenic for ALG3-congenital disorder of glycosylation. Last evaluated: 2019-01-01. Review status: criteria provided, single submitter. Criteria: ACMG Guidelines, 2015. Collection method: research. Allele origin: germline. Affected: yes. Observed: 1 homozygote.
Comment: Missense variant